The following is an entry in ClinVar:

ClinVar aggregate classification (germline): Uncertain significance (1 of 4 stars; one submission).

Submission:

GeneDx
Classification: Uncertain significance. Last evaluated: 2017-06-12. Review status: criteria provided, single submitter. Criteria: GeneDx Variant Classification (06012015). Collection method: clinical testing. Allele origin: germline. Affected: yes.
Comment: A variant of uncertain significance has been identified in the TSC2 gene. The c.5160+6_5160+27del22 variant has not been published as a pathogenic variant, nor has it been reported as a benign variant to our knowledge. The c.5160+6_5160+27del22 variant is not observed in large population cohorts (Lek et al., 2016; 1000 Genomes Consortium et al., 2015; Exome Variant Server). Several in-silico splice prediction models predict that c.5160+6_5160+27del22 may damage or destroy the natural donor site and lead to abnormal gene splicing. However, in the absence of RNA/functional studies, the actual effect of this sequence change in this individual is unknown. Therefore, based on the currently available information, it is unclear whether this variant is a pathogenic variant or a rare benign variant.

NM_000548.5(TSC2):c.5160+6_5160+27del

Gene: TSC2 (TSC complex subunit 2; plus strand). Cytogenetic location: 16p13.3.
Variant type: Deletion.
Coding change: c.5160+6_5160+27del on transcript NM_000548.5 (MANE Select); bases 6 to 27 of the intron after coding-DNA position 5160, 22 bases deleted (TGGGGGTGGGTCCAGGCGTGAG).
Molecular consequence: splice donor variant.
Genome position (GRCh38, 1-based): chr16:2,088,145-2,088,166, TGGGGGTGGGTCCAGGCGTGAG deleted; deleting any 22 consecutive bases within chr16:2,088,140-2,088,166 gives the same sequence; the c. name uses the placement nearest the transcript's 3' end. VCF-style (leftmost placement, unchanged base first): chr16-2088139-TGTGAGTGGGGGTGGGTCCAGGC-T. GRCh37 (hg19) VCF-style: chr16-2138140-TGTGAGTGGGGGTGGGTCCAGGC-T.
Other names: c.5160+6_5160+27delTGGGGGTGGGTCCAGGCGTGAG (NM_000548.3); c.5091+6_5091+27del (NM_001114382.3); c.5031+6_5031+27del (NM_021055.3, NM_001370405.1); c.4962+6_4962+27del (NM_001363528.2); c.5028+6_5028+27del (NM_001370404.1); c.4959+6_4959+27del (NM_001077183.3); c.4851+6_4851+27del (NM_001318827.2); c.4428+6_4428+27del (NM_001318831.2); and 2 more.
Identifiers: ClinVar variation 432535 (VCV000432535.2), dbSNP rs1555440243, ClinGen allele CA645373026.